The following is an entry in ClinVar:

NM_001161352.2(KCNMA1):c.771del (p.Val258fs)

Gene: KCNMA1 (potassium calcium-activated channel subfamily M alpha 1; minus strand). Cytogenetic location: 10q22.3.
Variant type: Deletion.
Coding change: c.771del on transcript NM_001161352.2 (MANE Select); coding-DNA position 771, one base deleted (C; older notation c.771delC).
Protein change: p.Val258fs; shifts the reading frame from valine 258.
Molecular consequence: frameshift variant.
Genome position (GRCh38, 1-based): chr10:77,183,458, G deleted on the plus strand (C on the coding strand, the reverse complement: KCNMA1 is on the minus strand); the first of 6 consecutive G bases (chr10:77,183,458-77,183,463); deleting any one gives the same sequence. VCF-style (leftmost placement, unchanged base first): chr10-77183457-CG-C. GRCh37 (hg19) VCF-style: chr10-78943215-CG-C.
Other names: c.231del, p.Val78fs (NM_001322838.2); c.771del, p.Val258fs (NM_001410940.1, NM_002247.4, NM_001322830.2 and 8 more transcripts); c.609del, p.Val204fs (NM_001271518.2); short protein forms V204fs, V258fs, V78fs.
Identifiers: ClinVar variation 2633700 (VCV002633700.2), dbSNP rs2551802036, ClinGen allele CA2609795951.
Genomic context (GRCh38, chr10:77,183,457, plus strand): 5'-AGAAGGAAAGAGAGGCTGACTTACCAAGCCAACTTCTGTTTAAGTACACAGACACAAACA[CG>C]GGGGGCACCGTGAAGAAATCCACTACAGAGTTCACTTCCAGCCAGAACCACAATTTATCG-3'

ClinVar aggregate classification (germline): Likely pathogenic (1 of 4 stars; one submission).

Conditions:
KCNMA1-related disorder. Also called: KCNMA1-related disorders; KCNMA1-related condition.

Submission:

PreventionGenetics, part of Exact Sciences
Classification: Likely pathogenic for KCNMA1-related condition. Last evaluated: 2025-05-29. Review status: criteria provided, single submitter. Criteria: ACMG Guidelines, 2015. Collection method: clinical testing. Allele origin: germline.
Comment: The KCNMA1 c.771delC variant is predicted to result in a frameshift and premature protein termination (p.Val258Cysfs*7). To our knowledge, this variant has not been reported in the literature or in a large population database, indicating this variant is rare. Frameshift variants in KCNMA1 are expected to be pathogenic for autosomal recessive disease. This variant is interpreted as likely pathogenic.